The following is an entry in ClinVar:

ClinVar aggregate classification (germline): Uncertain significance. Review status: criteria provided, multiple submitters, no conflicts (2 of 4 stars). 2 submissions from 2 submitters: Uncertain significance (2). Last evaluated 2023-12-23.

Conditions:
Inborn genetic diseases. Identifiers: MedGen C0950123, MeSH D030342.

Allele frequency attached by ClinVar (database versions not stated): gnomAD exomes below 0.00001; gnomAD 0.00001; TOPMed 0.00001.
gnomAD v4.1: 2 of 1,612,622 alleles (0.00012%); highest among the groups gnomAD compares: African/African-American, 0.0013%; no homozygotes.

Submissions (2):

Labcorp Genetics (formerly Invitae), Labcorp
Classification: Uncertain significance. Last evaluated: 2023-12-23. Review status: criteria provided, single submitter. Criteria: Invitae Variant Classification Sherloc (09022015). Collection method: clinical testing. Allele origin: germline.
Comment: This sequence change replaces lysine, which is basic and polar, with arginine, which is basic and polar, at codon 578 of the SIN3A protein (p.Lys578Arg). This variant is not present in population databases (gnomAD no frequency). This variant has not been reported in the literature in individuals affected with SIN3A-related conditions. ClinVar contains an entry for this variant (Variation ID: 985167). Advanced modeling of protein sequence and biophysical properties (such as structural, functional, and spatial information, amino acid conservation, physicochemical variation, residue mobility, and thermodynamic stability) performed at Invitae indicates that this missense variant is not expected to disrupt SIN3A protein function with a negative predictive value of 80%. In summary, the available evidence is currently insufficient to determine the role of this variant in disease. Therefore, it has been classified as a Variant of Uncertain Significance.

Ambry Genetics
Classification: Uncertain significance for Inborn genetic diseases. Last evaluated: 2018-09-04. Review status: criteria provided, single submitter. Criteria: Ambry exome assertion method (8-5-2015). Collection method: clinical testing. Allele origin: germline. Affected: yes. Observed: 1 variant allele.

NM_001145358.2(SIN3A):c.1733A>G (p.Lys578Arg)

Gene: SIN3A (SIN3 transcription regulator family member A; minus strand). Cytogenetic location: 15q24.2.
Variant type: single nucleotide variant.
Coding change: c.1733A>G on transcript NM_001145358.2 (MANE Select); coding-DNA position 1733, A replaced by G.
Protein change: p.Lys578Arg; replaces lysine 578 with arginine.
Molecular consequence: missense variant.
Genome position (GRCh38, 1-based): chr15:75,400,734, T>C on the plus strand (A>G on the coding strand, the complement: SIN3A is on the minus strand). VCF-style: chr15-75400734-T-C. GRCh37 (hg19) VCF-style: chr15-75693075-T-C.
Other names: c.1733A>G, p.Lys578Arg (NM_001145357.2, NM_015477.3); short protein forms K578R.
Identifiers: ClinVar variation 985167 (VCV000985167.6), dbSNP rs2073395843, ClinGen allele CA393498044.